The following is an entry in ClinVar:

ClinVar aggregate classification (germline): Pathogenic. Review status: criteria provided, multiple submitters, no conflicts (2 of 4 stars). 2 submissions from 2 submitters: Pathogenic (2). Last evaluated 2025-10-13.

Conditions:
Primary ciliary dyskinesia 23 (CILD23). Also called: CILIARY DYSKINESIA, PRIMARY, 23, WITH OR WITHOUT SITUS INVERSUS. Identifiers: Orphanet 244, MedGen C3809548, MONDO:0014193, OMIM 615451.

Allele frequency attached by ClinVar (database versions not stated): gnomAD exomes below 0.00001; ExAC 0.00001.
gnomAD v4.1: 1 of 1,611,380 alleles (0.000062%); highest among the groups gnomAD compares: Non-Finnish European, 0.000085%; no homozygotes.

Submissions (2):

3billion
Classification: Pathogenic for Primary ciliary dyskinesia 23. Last evaluated: 2025-10-13. Review status: criteria provided, single submitter. Criteria: ACMG Guidelines, 2015. Collection method: clinical testing. Allele origin: germline. Affected: yes.
Comment: The variant is observed at an extremely low frequency in the gnomAD v4.1.0 dataset (total allele frequency: <0.001%). Predicted Consequence/Location: Stop-gained (nonsense): predicted to result in a loss or disruption of normal protein function through nonsense-mediated decay (NMD) or protein truncation. Multiple pathogenic variants are reported downstream of the variant. The variant has been reported to be associated with ODAD2-related disorder (ClinVar ID: VCV002735387 /PMID: 26139845). Therefore, this variant is classified as Pathogenic according to the recommendation of ACMG/AMP guideline.

Labcorp Genetics (formerly Invitae), Labcorp
Classification: Pathogenic for Primary ciliary dyskinesia 23. Last evaluated: 2023-11-03. Review status: criteria provided, single submitter. Criteria: Invitae Variant Classification Sherloc (09022015). Collection method: clinical testing. Allele origin: germline.
Comment: This sequence change creates a premature translational stop signal (p.Glu83*) in the ARMC4 gene. It is expected to result in an absent or disrupted protein product. Loss-of-function variants in ARMC4 are known to be pathogenic (PMID: 23849778). The frequency data for this variant in the population databases is considered unreliable, as metrics indicate poor data quality at this position in the gnomAD database. This premature translational stop signal has been observed in individual(s) with primary ciliary dyskinesia (PMID: 26139845). Algorithms developed to predict the effect of sequence changes on RNA splicing suggest that this variant may disrupt the consensus splice site. For these reasons, this variant has been classified as Pathogenic.

Literature cited by the submitters: PubMed 26139845 (cited by 3billion and Labcorp Genetics (formerly Invitae), Labcorp); PubMed 23849778 (cited by Labcorp Genetics (formerly Invitae), Labcorp).

NM_018076.5(ODAD2):c.247G>T (p.Glu83Ter)

Gene: ODAD2 (outer dynein arm docking complex subunit 2; minus strand). Cytogenetic location: 10p12.1.
Variant type: single nucleotide variant.
Coding change: c.247G>T on transcript NM_018076.5 (MANE Select); coding-DNA position 247, G replaced by T.
Protein change: p.Glu83Ter; replaces glutamic acid 83 with a stop codon.
Molecular consequence: nonsense.
Genome position (GRCh38, 1-based): chr10:27,987,521, C>A on the plus strand (G>T on the coding strand, the complement: ODAD2 is on the minus strand). VCF-style: chr10-27987521-C-A. GRCh37 (hg19) VCF-style: chr10-28276450-C-A.
Other names: c.247G>T, p.Glu83Ter (NM_001290020.2); short protein forms E83*.
Identifiers: ClinVar variation 2735387 (VCV002735387.4), dbSNP rs747965765, ClinGen allele CA5453865.
Genomic context (GRCh38, chr10:27,987,521, plus strand): 5'-TCCTAATTTTAATTTGTGGTACAGAGAGAAATAGCAAAGGCTGTCCATTTTTATCAACTT[C>A]TTCTGATTTGACTGTTGTTTCACTAAAAAATAAAAATAAAAAATTGAAAGCTTCATGCTA-3'